The following is an entry in ClinVar:

ClinVar aggregate classification (germline): Uncertain significance. Review status: criteria provided, multiple submitters, no conflicts (2 of 4 stars). 2 submissions from 2 submitters: Uncertain significance (2). Last evaluated 2023-12-19.

Conditions:
Epidermolysis bullosa simplex 5B, with muscular dystrophy (EBS5B). Also called: EPIDERMOLYSIS BULLOSA SIMPLEX AND LIMB-GIRDLE MUSCULAR DYSTROPHY; Epidermolysis bullosa simplex with muscular dystrophy. Identifiers: Orphanet 257, MedGen C2931072, MONDO:0009181, OMIM 226670.
Autosomal recessive limb-girdle muscular dystrophy type 2Q (LGMDR17). Also called: MUSCULAR DYSTROPHY, LIMB-GIRDLE, AUTOSOMAL RECESSIVE 17. Identifiers: Orphanet 254361, MedGen C3150989, MONDO:0013390, OMIM 613723.
Epidermolysis bullosa simplex with nail dystrophy (EBS5D). Identifiers: MedGen C4225309, MONDO:0014661, OMIM 616487.
Epidermolysis bullosa simplex, Ogna type (EBS5A). Also called: Pidermolysis bullosa simplex 5A, Ogna type; EPIDERMOLYSIS BULLOSA SIMPLEX 5A, OGNA TYPE. Identifiers: Orphanet 79401, MedGen C0432317, MONDO:0007555, OMIM 131950.
Epidermolysis bullosa simplex 5C, with pyloric atresia (EBS5C). Also called: Epidermolysis bullosa simplex with pyloric atresia; PLEC-Related Epidermolysis Bullosa with Pyloric Atresia; PLEC1-Related Epidermolysis Bullosa with Pyloric Atresia. Identifiers: Orphanet 158684, MedGen C2677349, MONDO:0012807, OMIM 612138.

Allele frequency attached by ClinVar (database versions not stated): ExAC 0.00002; gnomAD exomes 0.00002; TOPMed 0.00002.
gnomAD v4.1: 11 of 1,603,386 alleles (0.00069%); highest among the groups gnomAD compares: Middle Eastern, 0.018%; no homozygotes.

Submissions (2):

Blueprint Genetics
Classification: Uncertain significance. Last evaluated: 2023-12-19. Review status: criteria provided, single submitter. Criteria: ACMG Guidelines, 2015. Collection method: clinical testing. Allele origin: germline.

Labcorp Genetics (formerly Invitae), Labcorp
Classification: Uncertain significance for Autosomal recessive limb-girdle muscular dystrophy type 2Q; Epidermolysis bullosa simplex, Ogna type; Epidermolysis bullosa simplex with nail dystrophy; Epidermolysis bullosa simplex 5C, with pyloric atresia; Epidermolysis bullosa simplex 5B, with muscular dystrophy. Last evaluated: 2023-09-23. Review status: criteria provided, single submitter. Criteria: Invitae Variant Classification Sherloc (09022015). Collection method: clinical testing. Allele origin: germline.
Comment: In summary, the available evidence is currently insufficient to determine the role of this variant in disease. Therefore, it has been classified as a Variant of Uncertain Significance. Advanced modeling of protein sequence and biophysical properties (such as structural, functional, and spatial information, amino acid conservation, physicochemical variation, residue mobility, and thermodynamic stability) has been performed at Invitae for this missense variant, however the output from this modeling did not meet the statistical confidence thresholds required to predict the impact of this variant on PLEC protein function. ClinVar contains an entry for this variant (Variation ID: 935007). This variant has not been reported in the literature in individuals affected with PLEC-related conditions. This variant is present in population databases (rs782367675, gnomAD 0.006%). This sequence change replaces serine, which is neutral and polar, with leucine, which is neutral and non-polar, at codon 4520 of the PLEC protein (p.Ser4520Leu).

NM_201384.3(PLEC):c.13478C>T (p.Ser4493Leu)

Gene: PLEC (plectin; minus strand). Cytogenetic location: 8q24.3.
Variant type: single nucleotide variant.
Coding change: c.13478C>T on transcript NM_201384.3 (MANE Select); coding-DNA position 13478, C replaced by T.
Protein change: p.Ser4493Leu; replaces serine 4493 with leucine.
Molecular consequence: missense variant.
Genome position (GRCh38, 1-based): chr8:143,916,343, G>A on the plus strand (C>T on the coding strand, the complement: PLEC is on the minus strand). VCF-style: chr8-143916343-G-A. GRCh37 (hg19) VCF-style: chr8-144990511-G-A.
Other names: c.13559C>T, p.Ser4520Leu (NM_000445.5); c.13436C>T, p.Ser4479Leu (NM_201378.4); c.13412C>T, p.Ser4471Leu (NM_201379.3); c.13889C>T, p.Ser4630Leu (NM_201380.4); c.13382C>T, p.Ser4461Leu (NM_201381.3); c.13478C>T, p.Ser4493Leu (NM_201382.4); c.13490C>T, p.Ser4497Leu (NM_201383.3); short protein forms S4461L, S4497L, S4493L, S4520L, S4471L, S4479L, S4630L.
Identifiers: ClinVar variation 935007 (VCV000935007.11), dbSNP rs782367675, ClinGen allele CA4923792.
Genomic context (GRCh38, chr8:143,916,343, plus strand): 5'-AAGCCGGAGCCGGTGGCGTCAAAGCTGCCGCGGCGGGAGCCGGCCCGGGAGCCGGTGCGC[G>A]AGCCGGTGCGGGAGCCAGCGGTAGAGCCGGAGCCGCTGACGCTGTAGGGGCTGTAGTAGC-3'
Protein context (NP_958786.1, residues 4483-4503): SGSTAGSRTG[Ser4493Leu]RTGSRAGSRR